The following is an entry in ClinVar:

NM_080680.3(COL11A2):c.1427C>A (p.Ala476Glu)

Gene: COL11A2 (collagen type XI alpha 2 chain; minus strand). Cytogenetic location: 6p21.32.
Variant type: single nucleotide variant.
Coding change: c.1427C>A on transcript NM_080680.3 (MANE Select); coding-DNA position 1427, C replaced by A.
Protein change: p.Ala476Glu; replaces alanine 476 with glutamic acid.
Molecular consequence: missense variant.
Genome position (GRCh38, 1-based): chr6:33,179,738, G>T on the plus strand (C>A on the coding strand, the complement: COL11A2 is on the minus strand). VCF-style: chr6-33179738-G-T. GRCh37 (hg19) VCF-style: chr6-33147515-G-T.
Other names: c.1106C>A, p.Ala369Glu (NM_080679.3); c.1169C>A, p.Ala390Glu (NM_080681.3); short protein forms A476E, A369E, A390E.
Identifiers: ClinVar variation 392847 (VCV000392847.13), dbSNP rs373983482, ClinGen allele CA3751362.

ClinVar aggregate classification (germline): Conflicting classifications of pathogenicity. Review status: criteria provided, conflicting classifications (1 of 4 stars). 3 submissions from 3 submitters: Uncertain significance (2); Benign (1). Last evaluated 2025-11-19.

Allele frequency attached by ClinVar (database versions not stated): gnomAD 0.00003; ESP Exome Variant Server 0.00015; TOPMed 0.00002.
gnomAD v4.1: 48 of 1,611,864 alleles (0.003%); highest among the groups gnomAD compares: Non-Finnish European, 0.0037%; no homozygotes.

Submissions (3):

Labcorp Genetics (formerly Invitae), Labcorp
Classification: Benign. Last evaluated: 2025-11-19. Review status: criteria provided, single submitter. Criteria: Invitae Variant Classification Sherloc (09022015). Collection method: clinical testing. Allele origin: germline.

GeneDx
Classification: Uncertain significance. Last evaluated: 2024-05-29. Review status: criteria provided, single submitter. Criteria: GeneDx Variant Classification Process June 2021. Collection method: clinical testing. Allele origin: germline. Affected: yes.
Comment: Not observed at significant frequency in large population cohorts (gnomAD); In silico analysis supports that this missense variant has a deleterious effect on protein structure/function; Has not been previously published as pathogenic or benign to our knowledge

Revvity Omics, Revvity
Classification: Uncertain significance. Last evaluated: 2021-04-21. Review status: criteria provided, single submitter. Criteria: ACMG Guidelines, 2015. Collection method: clinical testing. Allele origin: germline.